The following is an entry in ClinVar:

ClinVar aggregate classification (germline): Uncertain significance. Review status: criteria provided, multiple submitters, no conflicts (2 of 4 stars). 2 submissions from 2 submitters: Uncertain significance (2). Last evaluated 2025-08-19.

Conditions:
Cranioectodermal dysplasia 1 (CED1). Also called: LEVIN SYNDROME I. Identifiers: Orphanet 1515, MedGen C0432235, MONDO:0021093, OMIM 218330.

gnomAD v4.1: 16 of 1,539,130 alleles (0.001%); highest among the groups gnomAD compares: African/African-American, 0.0014%; no homozygotes.

Submissions (2):

Labcorp Genetics (formerly Invitae), Labcorp
Classification: Uncertain significance for Cranioectodermal dysplasia 1. Last evaluated: 2025-08-19. Review status: criteria provided, single submitter. Criteria: Invitae Variant Classification Sherloc (09022015). Collection method: clinical testing. Allele origin: germline.
Comment: This sequence change replaces arginine, which is basic and polar, with histidine, which is basic and polar, at codon 1129 of the IFT122 protein (p.Arg1129His). This variant is present in population databases (no rsID available, gnomAD 0.007%). This variant has not been reported in the literature in individuals affected with IFT122-related conditions. ClinVar contains an entry for this variant (Variation ID: 3588488). Invitae Evidence Modeling of protein sequence and biophysical properties (such as structural, functional, and spatial information, amino acid conservation, physicochemical variation, residue mobility, and thermodynamic stability) indicates that this missense variant is not expected to disrupt IFT122 protein function with a negative predictive value of 80%. In summary, the available evidence is currently insufficient to determine the role of this variant in disease. Therefore, it has been classified as a Variant of Uncertain Significance.

Fulgent Genetics
Classification: Uncertain significance for Cranioectodermal dysplasia 1. Last evaluated: 2024-04-29. Review status: criteria provided, single submitter. Criteria: ACMG Guidelines, 2015. Collection method: clinical testing. Allele origin: germline.

NM_052989.3(IFT122):c.3233G>A (p.Arg1078His)

Gene: IFT122 (intraflagellar transport 122; plus strand). Cytogenetic location: 3q22.1.
Variant type: single nucleotide variant.
Coding change: c.3233G>A on transcript NM_052989.3 (MANE Select); coding-DNA position 3233, G replaced by A.
Protein change: p.Arg1078His; replaces arginine 1078 with histidine.
Molecular consequence: missense variant.
Genome position (GRCh38, 1-based): chr3:129,515,567, G>A. VCF-style: chr3-129515567-G-A. GRCh37 (hg19) VCF-style: chr3-129234410-G-A.
Other names: c.3212G>A, p.Arg1071His (NM_001280541.2); c.2783G>A, p.Arg928His (NM_001280545.2); c.2606G>A, p.Arg869His (NM_001280546.2); c.3236G>A, p.Arg1079His (NM_001410808.1); c.3179G>A, p.Arg1060His (NM_001410809.1); c.3059G>A, p.Arg1020His (NM_001410810.1); c.3005G>A, p.Arg1002His (NM_001410811.1); c.3002G>A, p.Arg1001His (NM_001410813.1); and 5 more; short protein forms R1020H, R1129H, R968H, R1071H, R1079H, R869H, R950H, R967H.
Identifiers: ClinVar variation 3588488 (VCV003588488.2).
Genomic context (GRCh38, chr3:129,515,567, plus strand): 5'-ACCGCTGCTCCACCAACAACCCGCTGCTCAACAACCTGGGCAACGTCTGCATCAACTGCC[G>A]CCAGCCCTTCATCTTCTCCGCCTCTTCCTACGGTGAGTCCCTGCATCCTGAGCATGTGGG-3'
Protein context (NP_443715.1, residues 1068-1088): NNLGNVCINC[Arg1078His]QPFIFSASSY